The following is an entry in ClinVar:

ClinVar aggregate classification (germline): Uncertain significance. Review status: criteria provided, multiple submitters, no conflicts (2 of 4 stars). 2 submissions from 2 submitters: Uncertain significance (2). Last evaluated 2026-08-13.

Conditions:
Juvenile polyposis syndrome (JPS). Identifiers: Orphanet 2929, MedGen C0345893, MONDO:0017380, OMIM 174900.
Familial thoracic aortic aneurysm and aortic dissection (TAAD). Also called: Thoracic aortic aneurysms and dissections. Identifiers: Orphanet 91387, MedGen C4707243, MONDO:0019625.
Hereditary cancer-predisposing syndrome. Also called: Hereditary Cancer Syndrome; Hereditary neoplastic syndrome; Neoplastic Syndromes, Hereditary; Tumor predisposition. Identifiers: Orphanet 140162, MedGen C0027672, MeSH D009386, MONDO:0015356.

Submissions (2):

Ambry Genetics
Classification: Uncertain significance for Hereditary cancer-predisposing syndrome; Familial thoracic aortic aneurysm and aortic dissection. Last evaluated: 2026-08-13. Review status: criteria provided, single submitter. Criteria: Ambry Variant Classification Scheme 2023. Collection method: clinical testing. Allele origin: germline.
Comment: The p.E526D variant (also known as c.1578A>C), located in coding exon 11 of the SMAD4 gene, results from an A to C substitution at nucleotide position 1578. The glutamic acid at codon 526 is replaced by aspartic acid, an amino acid with highly similar properties. This amino acid position is highly conserved in available vertebrate species. In addition, this alteration is predicted to be deleterious by in silico analysis. Based on the available evidence, the clinical significance of this variant remains unclear.

Labcorp Genetics (formerly Invitae), Labcorp
Classification: Uncertain significance for Juvenile polyposis syndrome. Last evaluated: 2023-08-04. Review status: criteria provided, single submitter. Criteria: Invitae Variant Classification Sherloc (09022015). Collection method: clinical testing. Allele origin: germline.
Comment: In summary, the available evidence is currently insufficient to determine the role of this variant in disease. Therefore, it has been classified as a Variant of Uncertain Significance. Advanced modeling of protein sequence and biophysical properties (such as structural, functional, and spatial information, amino acid conservation, physicochemical variation, residue mobility, and thermodynamic stability) has been performed at Invitae for this missense variant, however the output from this modeling did not meet the statistical confidence thresholds required to predict the impact of this variant on SMAD4 protein function. This variant has not been reported in the literature in individuals affected with SMAD4-related conditions. This variant is not present in population databases (gnomAD no frequency). This sequence change replaces glutamic acid, which is acidic and polar, with aspartic acid, which is acidic and polar, at codon 526 of the SMAD4 protein (p.Glu526Asp).

NM_005359.6(SMAD4):c.1578A>C (p.Glu526Asp)

Gene: SMAD4 (SMAD family member 4; plus strand). Cytogenetic location: 18q21.2.
Variant type: single nucleotide variant.
Coding change: c.1578A>C on transcript NM_005359.6 (MANE Select); coding-DNA position 1578, A replaced by C.
Protein change: p.Glu526Asp; replaces glutamic acid 526 with aspartic acid.
Molecular consequence: missense variant. On other transcripts: non-coding transcript variant (1).
Genome position (GRCh38, 1-based): chr18:51,078,386, A>C. VCF-style: chr18-51078386-A-C. GRCh37 (hg19) VCF-style: chr18-48604756-A-C.
Other names: c.1578A>C, p.Glu526Asp (NM_001407041.1, NM_001407042.1); short protein forms E526D.
Identifiers: ClinVar variation 2750006 (VCV002750006.5), dbSNP rs2144479138, ClinGen allele CA402466075.
Genomic context (GRCh38, chr18:51,078,386, plus strand): 5'-GAAAGGCTGGGGACCGGATTACCCAAGACAGAGCATCAAAGAAACACCTTGCTGGATTGA[A>C]ATTCACTTACACCGGGCCCTCCAGCTCCTAGACGAAGTACTTCATACCATGCCGATTGCA-3'
Protein context (NP_005350.1, residues 516-536): QSIKETPCWI[Glu526Asp]IHLHRALQLL